The following is an entry in ClinVar:

ClinVar aggregate classification (germline): Uncertain significance (1 of 4 stars; one submission).

Conditions:
Joubert syndrome 20 (JBTS20). Identifiers: Orphanet 475, MedGen C3554235, MONDO:0013994, OMIM 614970.
Meckel syndrome, type 11 (MKS11). Identifiers: Orphanet 564, MedGen C3809352, MONDO:0014164, OMIM 615397.

Allele frequency attached by ClinVar (database versions not stated): gnomAD exomes below 0.00001.
gnomAD v4.1: 1 of 1,177,508 alleles (0.000085%); highest among the groups gnomAD compares: Non-Finnish European, 0.00012%; no homozygotes.

Submission:

Labcorp Genetics (formerly Invitae), Labcorp
Classification: Uncertain significance for Joubert syndrome 20; Meckel syndrome, type 11. Last evaluated: 2021-05-17. Review status: criteria provided, single submitter. Criteria: Invitae Variant Classification Sherloc (09022015). Collection method: clinical testing. Allele origin: germline.
Comment: This sequence change falls in intron 2 of the TMEM231 gene. It does not directly change the encoded amino acid sequence of the TMEM231 protein. It affects a nucleotide within the consensus splice site of the intron. The frequency data for this variant in the population databases is considered unreliable, as metrics indicate insufficient coverage at this position in the ExAC database. This variant has not been reported in the literature in individuals with TMEM231-related conditions. Nucleotide substitutions within the consensus splice site are a relatively common cause of aberrant splicing (PMID: 17576681, 9536098). In summary, the available evidence is currently insufficient to determine the role of this variant in disease. Therefore, it has been classified as a Variant of Uncertain Significance.

Literature cited by the submitters: PubMed 17576681; PubMed 9536098.

NM_001077418.3(TMEM231):c.438+3G>A

Gene: TMEM231 (transmembrane protein 231; minus strand). Cytogenetic location: 16q23.1.
Variant type: single nucleotide variant.
Coding change: c.438+3G>A on transcript NM_001077418.3 (MANE Select); 3 bases into the intron after coding-DNA position 438, G replaced by A.
Molecular consequence: intron variant.
Genome position (GRCh38, 1-based): chr16:75,545,823, C>T on the plus strand (G>A on the coding strand, the complement: TMEM231 is on the minus strand). VCF-style: chr16-75545823-C-T. GRCh37 (hg19) VCF-style: chr16-75579721-C-T.
Other names: c.597+3G>A (NM_001077416.2).
Identifiers: ClinVar variation 1491820 (VCV001491820.5), dbSNP rs1183368030, ClinGen allele CA623583504.